The following is an entry in ClinVar:

ClinVar aggregate classification (germline): Pathogenic (1 of 4 stars; one submission).

Submission:

Quest Diagnostics Nichols Institute San Juan Capistrano
Classification: Pathogenic. Last evaluated: 2021-10-04. Review status: criteria provided, single submitter. Criteria: ACMG/ClinGen CNV Guidelines, 2019. Collection method: clinical testing. Allele origin: unknown.
Comment: The copy number loss of 5p15.33p13.3 is expected to cause phenotypicand/or behavioral abnormalities. Large 5p deletions of variable size, both terminal and interstitial, are associated with cri-du-chats yndrome (OMIM 123450). The main clinical features include a distinctive high-pitched cry, characteristic facial dysmorphism, dysphagia, slow growth, microcephaly, global developmental delay, and intellectual disability. Despite the great clinical and molecular heterogeneity of cri-du-chat syndrome, there is some correlation between the size of the deletion and the severity of the phenotype (Nevado 2021, Zhang 2016, Sardina 2014, GeneReviews). Thus, this deletionis classified as pathogenic.

GRCh37/hg19 5p15.33-13.3(chr5:113577-31448527)x1

Genes: ADAMTS16 (ADAM metallopeptidase with thrombospondin type 1 motif 16; plus strand), ADCY2 (adenylate cyclase 2; plus strand), AHRR (aryl hydrocarbon receptor repressor; plus strand), ANKH (ANKH inorganic pyrophosphate transport regulator; minus strand), ANKRD33B (ankyrin repeat domain 33B; plus strand) and 66 more. Cytogenetic location: 5p15.33-13.3.
Variant type: copy number loss.
Change: copy number 1 (one copy instead of two) of chr5:113,577-31,448,527 (31.33 Mb, GRCh37 coordinates, 1-based), cytogenetic band 5p15.33-13.3.
Identifiers: ClinVar variation 1809293 (VCV001809293.1).